The following is an entry in ClinVar:

ClinVar aggregate classification (germline): Benign (1 of 4 stars; one submission).

Allele frequency attached by ClinVar (database versions not stated): 1000 Genomes Project 0.00359; 1000 Genomes Project 30x 0.00406; ESP Exome Variant Server 0.00770; gnomAD 0.00850; TOPMed 0.00929; ExAC 0.01403.
gnomAD v4.1: 16,401 of 1,603,688 alleles (1%); highest among the groups gnomAD compares: Admixed American, 1.3%; 112 homozygotes.

Submission:

CeGaT Center for Human Genetics Tuebingen
Classification: Benign. Last evaluated: 2026-03-01. Review status: criteria provided, single submitter. Criteria: CeGaT Center For Human Genetics Tuebingen Variant Classification Criteria Version 2. Collection method: clinical testing. Allele origin: germline. Affected: yes. Observed: 6 variant alleles.
Comment: SMPD4: BS1, BS2

NM_017951.5(SMPD4):c.-106C>A

Gene: SMPD4 (sphingomyelin phosphodiesterase 4; minus strand). Cytogenetic location: 2q21.1.
Variant type: single nucleotide variant.
Coding change: c.-106C>A on transcript NM_017951.5 (MANE Select); 106 bases upstream of the start codon, C replaced by A.
Molecular consequence: 5 prime UTR variant. On other transcripts: missense variant (2), non-coding transcript variant (2).
Genome position (GRCh38, 1-based): chr2:130,181,590, G>T on the plus strand (C>A on the coding strand, the complement: SMPD4 is on the minus strand). VCF-style: chr2-130181590-G-T. GRCh37 (hg19) VCF-style: chr2-130939163-G-T.
Other names: c.12C>A, p.Phe4Leu (NM_001171083.2, NM_017751.4); short protein forms F4L.
Identifiers: ClinVar variation 2651362 (VCV002651362.24), dbSNP rs146359515, ClinGen allele CA1870429.